The following is an entry in ClinVar:

ClinVar aggregate classification (germline): Uncertain significance. Review status: criteria provided, multiple submitters, no conflicts (2 of 4 stars). 3 submissions from 3 submitters: Uncertain significance (3). Last evaluated 2025-07-30.

Conditions:
Hereditary cancer-predisposing syndrome. Also called: Tumor predisposition; Hereditary neoplastic syndrome; Neoplastic Syndromes, Hereditary; Hereditary Cancer Syndrome. Identifiers: Orphanet 140162, MedGen C0027672, MeSH D009386, MONDO:0015356.
Ataxia-telangiectasia syndrome (AT). Also called: Ataxia-telangiectasia, complementation group D; AT, COMPLEMENTATION GROUP C; ATAXIA-TELANGIECTASIA, COMPLEMENTATION GROUP A; ATAXIA-TELANGIECTASIA, FRESNO VARIANT; Ataxia-telangiectasia; LOUIS-BAR SYNDROME. Identifiers: Orphanet 100, MedGen C0004135, MONDO:0008840, OMIM 208900.

gnomAD v4.1: 6 of 1,613,280 alleles (0.00037%); highest among the groups gnomAD compares: Non-Finnish European, 0.00051%; no homozygotes.

Submissions (3):

Labcorp Genetics (formerly Invitae), Labcorp
Classification: Uncertain significance for Ataxia-telangiectasia syndrome. Last evaluated: 2025-07-30. Review status: criteria provided, single submitter. Criteria: Invitae Variant Classification Sherloc (09022015). Collection method: clinical testing. Allele origin: germline.
Comment: This sequence change replaces arginine, which is basic and polar, with serine, which is neutral and polar, at codon 2604 of the ATM protein (p.Arg2604Ser). This variant is present in population databases (no rsID available, gnomAD 0.0009%). This missense change has been observed in individual(s) with breast cancer (PMID: 34326862). ClinVar contains an entry for this variant (Variation ID: 628331). Invitae Evidence Modeling of protein sequence and biophysical properties (such as structural, functional, and spatial information, amino acid conservation, physicochemical variation, residue mobility, and thermodynamic stability) indicates that this missense variant is not expected to disrupt ATM protein function with a negative predictive value of 95%. In summary, the available evidence is currently insufficient to determine the role of this variant in disease. Therefore, it has been classified as a Variant of Uncertain Significance.

Color Diagnostics, LLC DBA Color Health
Classification: Uncertain significance for Hereditary cancer-predisposing syndrome. Last evaluated: 2023-12-05. Review status: criteria provided, single submitter. Criteria: ACMG Guidelines, 2015. Collection method: clinical testing. Allele origin: germline.
Comment: This missense variant replaces arginine with serine at codon 2604 of the ATM protein. Computational prediction suggests that this variant may not impact protein structure and function (internally defined REVEL score threshold <= 0.5, PMID: 27666373). To our knowledge, functional studies have not been reported for this variant. This variant has not been reported in individuals affected with ATM-related disorders in the literature. This variant has been identified in 1/250612 chromosomes in the general population by the Genome Aggregation Database (gnomAD). The available evidence is insufficient to determine the role of this variant in disease conclusively. Therefore, this variant is classified as a Variant of Uncertain Significance.

Ambry Genetics
Classification: Uncertain significance for Hereditary cancer-predisposing syndrome. Last evaluated: 2023-05-13. Review status: criteria provided, single submitter. Criteria: Ambry Variant Classification Scheme 2023. Collection method: clinical testing. Allele origin: germline.
Comment: The p.R2604S variant (also known as c.7812A>T), located in coding exon 52 of the ATM gene, results from an A to T substitution at nucleotide position 7812. The arginine at codon 2604 is replaced by serine, an amino acid with dissimilar properties. This amino acid position is conserved. In addition, this alteration is predicted to be tolerated by in silico analysis. Since supporting evidence is limited at this time, the clinical significance of this alteration remains unclear.

Literature cited by the submitters: PubMed 34326862 (cited by Labcorp Genetics (formerly Invitae), Labcorp).

NM_000051.4(ATM):c.7812A>T (p.Arg2604Ser)

Genes: ATM (ATM serine/threonine kinase; plus strand), C11orf65 (chromosome 11 open reading frame 65; minus strand). Cytogenetic location: 11q22.3.
Variant type: single nucleotide variant.
Coding change: c.7812A>T on transcript NM_000051.4 (MANE Select); coding-DNA position 7812, A replaced by T.
Protein change: p.Arg2604Ser; replaces arginine 2604 with serine.
Molecular consequence: missense variant. On other transcripts: intron variant (2).
Genome position (GRCh38, 1-based): chr11:108,332,785, A>T. VCF-style: chr11-108332785-A-T. GRCh37 (hg19) VCF-style: chr11-108203512-A-T.
Other names: c.7812A>T, p.Arg2604Ser (NM_001351834.2); c.641-23714T>A (NM_001330368.2); c.*38+2435T>A (NM_001351110.2); short protein forms R2604S.
Identifiers: ClinVar variation 628331 (VCV000628331.16), dbSNP rs1484346818, ClinGen allele CA382561286.